The following is an entry in ClinVar:

ClinVar aggregate classification (germline): Uncertain significance (1 of 4 stars; one submission).

Conditions:
GLUT1 deficiency syndrome 1, autosomal recessive. Identifiers: MedGen C3149117.

Submission:

Labcorp Genetics (formerly Invitae), Labcorp
Classification: Uncertain significance for GLUT1 deficiency syndrome 1, autosomal recessive. Last evaluated: 2024-11-05. Review status: criteria provided, single submitter. Criteria: Invitae Variant Classification Sherloc (09022015). Collection method: clinical testing. Allele origin: germline.
Comment: This sequence change replaces lysine, which is basic and polar, with asparagine, which is neutral and polar, at codon 7 of the SLC2A1 protein (p.Lys7Asn). This variant is not present in population databases (gnomAD no frequency). This variant has not been reported in the literature in individuals affected with SLC2A1-related conditions. ClinVar contains an entry for this variant (Variation ID: 2104679). An algorithm developed to predict the effect of missense changes on protein structure and function (PolyPhen-2) suggests that this variant is likely to be tolerated. In summary, the available evidence is currently insufficient to determine the role of this variant in disease. Therefore, it has been classified as a Variant of Uncertain Significance.

NM_006516.4(SLC2A1):c.21G>C (p.Lys7Asn)

Gene: SLC2A1 (solute carrier family 2 member 1; minus strand). Cytogenetic location: 1p34.2.
Variant type: single nucleotide variant.
Coding change: c.21G>C on transcript NM_006516.4 (MANE Select); coding-DNA position 21, G replaced by C.
Protein change: p.Lys7Asn; replaces lysine 7 with asparagine.
Molecular consequence: missense variant.
Genome position (GRCh38, 1-based): chr1:42,943,319, C>G on the plus strand (G>C on the coding strand, the complement: SLC2A1 is on the minus strand). VCF-style: chr1-42943319-C-G. GRCh37 (hg19) VCF-style: chr1-43408990-C-G.
Other names: short protein forms K7N.
Identifiers: ClinVar variation 2104679 (VCV002104679.4), dbSNP rs2525035105, ClinGen allele CA339964917.